The following is an entry in ClinVar:

NM_003126.4(SPTA1):c.3487T>G (p.Ser1163Ala)

Gene: SPTA1 (spectrin alpha, erythrocytic 1; minus strand). Cytogenetic location: 1q23.1.
Variant type: single nucleotide variant.
Coding change: c.3487T>G on transcript NM_003126.4 (MANE Select); coding-DNA position 3487, T replaced by G.
Protein change: p.Ser1163Ala; replaces serine 1163 with alanine.
Molecular consequence: missense variant.
Genome position (GRCh38, 1-based): chr1:158,649,938, A>C on the plus strand (T>G on the coding strand, the complement: SPTA1 is on the minus strand). VCF-style: chr1-158649938-A-C. GRCh37 (hg19) VCF-style: chr1-158619728-A-C.
Other names: short protein forms S1163A.
Identifiers: ClinVar variation 258929 (VCV000258929.36), dbSNP rs2482965, ClinGen allele CA1183031.

ClinVar aggregate classification (germline): Benign/Likely benign. Review status: criteria provided, multiple submitters, no conflicts (2 of 4 stars). 15 submissions from 11 submitters: Benign (12); Likely benign (1). 2 of the submissions do not count toward it. Last evaluated 2026-02-03.

Conditions:
Hereditary spherocytosis type 3. Also called: Spherocytosis type 3; SPTA1-Related Spherocytosis. Identifiers: Orphanet 822, MedGen C2678338, MONDO:0010053, OMIM 270970.
Elliptocytosis 2 (EL2). Also called: ELLIPTOCYTOSIS, RHESUS-UNLINKED TYPE. Identifiers: Orphanet 288, MedGen C1851741, MONDO:0007533, OMIM 130600.
Pyropoikilocytosis, hereditary. Also called: Pyropoikilocytosis. Identifiers: MedGen C0520739, MONDO:0009948, OMIM 266140, HP:0004839. Disease mechanism: loss of function.

Allele frequency attached by ClinVar (database versions not stated): TOPMed 0.99325; gnomAD 0.99361 and 0.99409; ESP Exome Variant Server 0.99397; 1000 Genomes Project 30x 0.99438; 1000 Genomes Project 0.99461; ExAC 0.99826.

Submissions (15):

Labcorp Genetics (formerly Invitae), Labcorp
Classification: Benign. Last evaluated: 2026-02-03. Review status: criteria provided, single submitter. Criteria: Invitae Variant Classification Sherloc (09022015). Collection method: clinical testing. Allele origin: germline.

ARUP Laboratories, Molecular Genetics and Genomics, ARUP Laboratories
Classification: Benign. Last evaluated: 2025-07-31. Review status: criteria provided, single submitter. Criteria: ARUP Molecular Germline Variant Investigation Process 2024. Collection method: clinical testing. Allele origin: germline.

Blueprint Genetics
Classification: Likely benign. Last evaluated: 2024-11-26. Review status: criteria provided, single submitter. Criteria: ACMG Guidelines, 2015. Collection method: clinical testing. Allele origin: germline.

Genome-Nilou Lab
Classification: Benign for Hereditary spherocytosis type 3. Last evaluated: 2021-07-15. Review status: criteria provided, single submitter. Criteria: ACMG Guidelines, 2015. Collection method: clinical testing. Allele origin: germline. Affected: no.

Genome-Nilou Lab
Classification: Benign for Elliptocytosis 2. Last evaluated: 2021-07-15. Review status: criteria provided, single submitter. Criteria: ACMG Guidelines, 2015. Collection method: clinical testing. Allele origin: germline. Affected: no.

Genome-Nilou Lab
Classification: Benign for Pyropoikilocytosis, hereditary. Last evaluated: 2021-07-15. Review status: criteria provided, single submitter. Criteria: ACMG Guidelines, 2015. Collection method: clinical testing. Allele origin: germline. Affected: no.

GeneDx
Classification: Benign. Last evaluated: 2021-06-09. Review status: criteria provided, single submitter. Criteria: GeneDx Variant Classification Process June 2021. Collection method: clinical testing. Allele origin: germline. Affected: yes.

Mayo Clinic Laboratories, Mayo Clinic
Classification: Benign. Last evaluated: 2018-04-03. Review status: criteria provided, single submitter. Criteria: ACMG Guidelines, 2015. Collection method: clinical testing. Allele origin: germline. Observed: 2,404 variant alleles.

Illumina Laboratory Services, Illumina
Classification: Benign for Pyropoikilocytosis, hereditary. Last evaluated: 2018-01-13. Review status: criteria provided, single submitter. Criteria: ICSL Variant Classification Criteria 13 December 2019. Collection method: clinical testing. Allele origin: germline.
Comment: This variant was observed in the ICSL laboratory as part of a predisposition screen in an ostensibly healthy population. It had not been previously curated by ICSL or reported in the Human Gene Mutation Database (HGMD: prior to June 1st, 2018), and was therefore a candidate for classification through an automated scoring system. Utilizing variant allele frequency, disease prevalence and penetrance estimates, and inheritance mode, an automated score was calculated to assess if this variant is too frequent to cause the disease. Based on the score and internal cut-off values, a variant classified as benign is not then subjected to further curation. The score for this variant resulted in a classification of benign for this disease.

Illumina Laboratory Services, Illumina
Classification: Benign for Elliptocytosis 2. Last evaluated: 2018-01-13. Review status: criteria provided, single submitter. Criteria: ICSL Variant Classification Criteria 13 December 2019. Collection method: clinical testing. Allele origin: germline.
Comment: the same text as in the submission from Illumina Laboratory Services, Illumina above.

Illumina Laboratory Services, Illumina
Classification: Benign for Hereditary spherocytosis type 3. Last evaluated: 2018-01-13. Review status: criteria provided, single submitter. Criteria: ICSL Variant Classification Criteria 13 December 2019. Collection method: clinical testing. Allele origin: germline.
Comment: the same text as in the submission from Illumina Laboratory Services, Illumina above.

Breakthrough Genomics
Classification: Benign. Review status: criteria provided, single submitter. Criteria: ACMG Guidelines, 2015. Collection method: not provided. Allele origin: germline. Inheritance: Autosomal recessive inheritance. Affected: yes.

PreventionGenetics, part of Exact Sciences
Classification: Benign. Review status: criteria provided, single submitter. Criteria: ACMG Guidelines, 2015. Collection method: clinical testing. Allele origin: germline.

Diagnostic Laboratory, Department of Genetics, University Medical Center Groningen
Classification: Benign. Review status: no assertion criteria provided. Collection method: clinical testing. Allele origin: germline. Affected: yes. Study: VKGL Data-share Consensus. Not counted in ClinVar's aggregate classification.

Genome Diagnostics Laboratory, University Medical Center Utrecht
Classification: Benign. Review status: no assertion criteria provided. Collection method: clinical testing. Allele origin: germline. Affected: yes. Study: VKGL Data-share Consensus. Not counted in ClinVar's aggregate classification.